The following is an entry in ClinVar:

ClinVar aggregate classification (germline): Uncertain significance. Review status: criteria provided, multiple submitters, no conflicts (2 of 4 stars). 4 submissions from 4 submitters: Uncertain significance (4). Last evaluated 2025-08-17.

Conditions:
Familial thoracic aortic aneurysm and aortic dissection (TAAD). Also called: Thoracic aortic aneurysms and dissections. Identifiers: Orphanet 91387, MedGen C4707243, MONDO:0019625.
Aortic aneurysm, familial thoracic 4 (AAT4). Also called: AORTIC ANEURYSM/AORTIC DISSECTION AND PATENT DUCTUS ARTERIOSUS. Identifiers: MedGen C1851504, MONDO:0007568, OMIM 132900.

Allele frequency attached by ClinVar (database versions not stated): ExAC 0.00001; gnomAD 0.00001; gnomAD exomes 0.00001; TOPMed 0.00001.
gnomAD v4.1: 5 of 1,614,056 alleles (0.00031%); highest among the groups gnomAD compares: Admixed American, 0.0083%; no homozygotes.

Submissions (4):

Color Diagnostics, LLC DBA Color Health
Classification: Uncertain significance for Familial thoracic aortic aneurysm and aortic dissection. Last evaluated: 2025-08-17. Review status: criteria provided, single submitter. Criteria: ACMG Guidelines, 2015. Collection method: clinical testing. Allele origin: germline.
Comment: This missense variant replaces isoleucine with valine at codon 726 of the MYH11 protein. Computational prediction suggests that this variant may not impact protein structure and function. To our knowledge, functional studies have not been reported for this variant. This variant has not been reported in individuals affected with MYH11-related disorders in the literature. This variant has been identified in 3/251396 chromosomes in the general population by the Genome Aggregation Database (gnomAD). The available evidence is insufficient to determine the role of this variant in disease conclusively. Therefore, this variant is classified as a Variant of Uncertain Significance.

Ambry Genetics
Classification: Uncertain significance for Familial thoracic aortic aneurysm and aortic dissection. Last evaluated: 2023-11-17. Review status: criteria provided, single submitter. Criteria: Ambry Variant Classification Scheme 2023. Collection method: clinical testing. Allele origin: germline.
Comment: The p.I719V variant (also known as c.2155A>G), located in coding exon 16 of the MYH11 gene, results from an A to G substitution at nucleotide position 2155. The isoleucine at codon 719 is replaced by valine, an amino acid with highly similar properties. This amino acid position is conserved. In addition, this alteration is predicted to be tolerated by in silico analysis. Since supporting evidence is limited at this time, the clinical significance of this alteration remains unclear.

Labcorp Genetics (formerly Invitae), Labcorp
Classification: Uncertain significance for Aortic aneurysm, familial thoracic 4. Last evaluated: 2023-09-10. Review status: criteria provided, single submitter. Criteria: Invitae Variant Classification Sherloc (09022015). Collection method: clinical testing. Allele origin: germline.
Comment: ClinVar contains an entry for this variant (Variation ID: 2499810). In summary, the available evidence is currently insufficient to determine the role of this variant in disease. Therefore, it has been classified as a Variant of Uncertain Significance. Advanced modeling of protein sequence and biophysical properties (such as structural, functional, and spatial information, amino acid conservation, physicochemical variation, residue mobility, and thermodynamic stability) performed at Invitae indicates that this missense variant is not expected to disrupt MYH11 protein function. This variant has not been reported in the literature in individuals affected with MYH11-related conditions. This variant is present in population databases (rs754008415, gnomAD 0.009%). This sequence change replaces isoleucine, which is neutral and non-polar, with valine, which is neutral and non-polar, at codon 726 of the MYH11 protein (p.Ile726Val).

GeneDx
Classification: Uncertain significance. Last evaluated: 2022-10-24. Review status: criteria provided, single submitter. Criteria: GeneDx Variant Classification Process June 2021. Collection method: clinical testing. Allele origin: germline. Affected: yes.
Comment: Has not been previously published as pathogenic or benign to our knowledge; Not observed at significant frequency in large population cohorts (gnomAD); In silico analysis supports that this missense variant does not alter protein structure/function

NM_002474.3(MYH11):c.2155A>G (p.Ile719Val)

Gene: MYH11 (myosin heavy chain 11; minus strand). Cytogenetic location: 16p13.11.
Variant type: single nucleotide variant.
Coding change: c.2155A>G on transcript NM_002474.3 (MANE Select); coding-DNA position 2155, A replaced by G.
Protein change: p.Ile719Val; replaces isoleucine 719 with valine.
Molecular consequence: missense variant.
Genome position (GRCh38, 1-based): chr16:15,748,072, T>C on the plus strand (A>G on the coding strand, the complement: MYH11 is on the minus strand). VCF-style: chr16-15748072-T-C. GRCh37 (hg19) VCF-style: chr16-15841929-T-C.
Other names: c.2176A>G, p.Ile726Val (NM_001040113.2, NM_001040114.2); c.2155A>G, p.Ile719Val (NM_022844.3); short protein forms I719V, I726V.
Identifiers: ClinVar variation 2499810 (VCV002499810.6), dbSNP rs754008415, ClinGen allele CA7922381.